The following is an entry in ClinVar:

NM_016604.4(KDM3B):c.2488G>A (p.Ala830Thr)

Gene: KDM3B (lysine demethylase 3B; plus strand). Cytogenetic location: 5q31.2.
Variant type: single nucleotide variant.
Coding change: c.2488G>A on transcript NM_016604.4 (MANE Select); coding-DNA position 2488, G replaced by A.
Protein change: p.Ala830Thr; replaces alanine 830 with threonine.
Molecular consequence: missense variant.
Genome position (GRCh38, 1-based): chr5:138,392,120, G>A. VCF-style: chr5-138392120-G-A. GRCh37 (hg19) VCF-style: chr5-137727809-G-A.
Other names: short protein forms A830T.
Identifiers: ClinVar variation 4881062 (VCV004881062.2).

ClinVar aggregate classification (germline): Uncertain significance (1 of 4 stars; one submission).

gnomAD v4.1: 2 of 1,602,826 alleles (0.00012%); highest among the groups gnomAD compares: Non-Finnish European, 0.00017%; no homozygotes.

Submission:

Dasa
Classification: Uncertain significance. Last evaluated: 2025-02-03. Review status: criteria provided, single submitter. Criteria: DASA Assertion Criteria. Collection method: clinical testing. Allele origin: germline.
Comment: NM_016604.4(KDM3B):c.2488G>A (p.Ala830Thr) is a missense variant that results in the substitution of alanine with threonine. This variant is rare in population databases. Computational prediction algorithms are consistent with a benign effect. The currently available literature and clinical evidence are not sufficient to establish a definitive association between this variant and the reported condition. Therefore, this variant is classified as a variant of uncertain significance.